The following is an entry in ClinVar:

ClinVar aggregate classification (germline): Pathogenic (1 of 4 stars; one submission).

Conditions:
Epidermolysis bullosa, junctional 3B, severe. Also called: EPIDERMOLYSIS BULLOSA, JUNCTIONAL 3B, GENERALIZED SEVERE; EPIDERMOLYSIS BULLOSA, JUNCTIONAL 3B, HERLITZ TYPE. Identifiers: MedGen C5676939, MONDO:0030749, OMIM 619786.

Submission:

Cytogenetics and Molecular Genetics Section, Pathology Unit, BARC Hospital, Bhabha Atomic Research Centre
Classification: Pathogenic for Epidermolysis bullosa, junctional 3B, severe. Review status: criteria provided, single submitter. Criteria: ACMG Guidelines, 2015. Collection method: research. Allele origin: germline. Inheritance: Autosomal recessive inheritance. Affected: yes. Observed: 1 homozygote.
Comment: The LAMC2 gene provides instructions for making one of the three subunit of a protein called laminin 332. Laminin 332 is an essential component of the dermal-epidermal junction, a highly specialized basement membrane zone that attaches the epidermis to the dermis and provides skin integrity and resistance to external mechanical forces. Mutation in LAMC2 gene disrupts the Laminin 332 protein causing diminished epidermal dermal junction leading to skin fragility and mechnically induced blistering. Severe forms lead to septcemia and is fatal

Literature cited by the submitters: PubMed 7849725; DOI 10.1046/j.1523-1747.2000.00052.x.

NC_000001.10:g.(183205740_183206486)_(183207557_183208498)del

Gene: LAMC2 (laminin subunit gamma 2; plus strand). Cytogenetic location: 1q25.3.
Variant type: Deletion.
Identifiers: ClinVar variation 3069199 (VCV003069199.2).